The following is an entry in ClinVar:

ClinVar aggregate classification (germline): Pathogenic/Likely pathogenic. Review status: criteria provided, multiple submitters, no conflicts (2 of 4 stars). 5 submissions from 5 submitters: Pathogenic (3); Likely pathogenic (2). Last evaluated 2025-10-06.

Conditions:
Cardiovascular phenotype. Identifiers: MedGen CN230736.
Arrhythmogenic right ventricular dysplasia 10. Also called: Arrhythmogenic Right Ventricular Dysplasia/Cardiomyopathy10; ARRHYTHMOGENIC RIGHT VENTRICULAR DYSPLASIA, FAMILIAL, 10; Arrhythmogenic right ventricular dysplasia/cardiomyopathy, type 10. Identifiers: MedGen C1857777, MONDO:0012434, OMIM 610193.
Arrhythmogenic right ventricular cardiomyopathy (ARVD). Also called: Arrhythmogenic cardiomyopathy; Arrhythmogenic Right Ventricular Cardiomyopathy (ARVC); Arrhythmogenic right ventricular dysplasia; Cardiomyopathy, ARVC. Identifiers: Orphanet 247, MedGen C0349788, MeSH D019571, MONDO:0016587. Disease mechanism: loss of function. Inheritance: Various modes of inheritance.
Cardiomyopathy (CMYO). Also called: Cardiomyopathies. Identifiers: Orphanet 167848, MedGen C0878544, MONDO:0004994, HP:0001638. Inheritance: Various modes of inheritance.
DSG2-related disorders.

Allele frequency attached by ClinVar (database versions not stated): gnomAD exomes below 0.00001; ExAC 0.00001.
gnomAD v4.1: 4 of 1,614,092 alleles (0.00025%); highest among the groups gnomAD compares: Admixed American, 0.0017%; no homozygotes.

Submissions (5):

Labcorp Genetics (formerly Invitae), Labcorp
Classification: Pathogenic for Arrhythmogenic right ventricular dysplasia 10. Last evaluated: 2025-10-06. Review status: criteria provided, single submitter. Criteria: Invitae Variant Classification Sherloc (09022015). Collection method: clinical testing. Allele origin: germline.
Comment: This sequence change replaces arginine, which is basic and polar, with tryptophan, which is neutral and slightly polar, at codon 46 of the DSG2 protein (p.Arg46Trp). This variant is present in population databases (rs752522753, gnomAD 0.003%). This missense change has been observed in individuals with arrhythmogenic right ventricular cardiomyopathy (PMID: 20400443, 24585727, 27532257, 29178656, 30790397, 31386562; internal data). ClinVar contains an entry for this variant (Variation ID: 863095). Invitae Evidence Modeling of protein sequence and biophysical properties (such as structural, functional, and spatial information, amino acid conservation, physicochemical variation, residue mobility, and thermodynamic stability) has been performed for this missense variant. However, the output from this modeling did not meet the statistical confidence thresholds required to predict the impact of this variant on DSG2 protein function. This variant disrupts the p.Arg46 amino acid residue in DSG2. Other variant(s) that disrupt this residue have been determined to be pathogenic (PMID: 23071725, 30790397). This suggests that this residue is clinically significant, and that variants that disrupt this residue are likely to be disease-causing. For these reasons, this variant has been classified as Pathogenic.

Ambry Genetics
Classification: Pathogenic for Cardiovascular phenotype. Last evaluated: 2025-09-18. Review status: criteria provided, single submitter. Criteria: Ambry Variant Classification Scheme 2023. Collection method: clinical testing. Allele origin: germline.
Comment: The p.R46W pathogenic mutation (also known as c.136C>T), located in coding exon 3 of the DSG2 gene, results from a C to T substitution at nucleotide position 136. The arginine at codon 46 is replaced by tryptophan, an amino acid with dissimilar properties. This variant has been identified in multiple individuals with arrhythmogenic right ventricular cardiomyopathy (ARVC); however, clinical details were limited for some cases (Fressart V et al. Europace, 2010 Jun;12:861-8; Vite A et al. PLoS ONE, 2013 Sep;8:e75082; Philips B et al. Circ Arrhythm Electrophysiol, 2014 Apr;7:230-6; Walsh R et al. Genet. Med., 2017 02;19:192-203; Wada Y et al. Mol Genet Genomic Med, 2017 11;5:639-651; Chen K et al. Clin Cardiol, 2018 May;41:615-622; Ruiz Salas A et al. Rev Esp Cardiol (Engl Ed). 2018 Dec;71(12):1018-1026; Hermida A et al. Eur J Heart Fail. 2019 06;21(6):792-800; Invitae pers. comm.). Another alteration at the same codon, p.R46Q (c.137G>A), has also been reported in association with ARVC and has shown segregation with disease (Awad MM et al. Am J Hum Genet, 2006 Jul;79:136-42; Rasmussen TB et al. Hum Mutat, 2013 May;34:697-705). This amino acid position is highly conserved in available vertebrate species. In addition, this alteration is predicted to be deleterious by in silico analysis. Based on the supporting evidence, this alteration is interpreted as a disease-causing mutation.

All of Us Research Program, National Institutes of Health
Classification: Likely pathogenic for Arrhythmogenic right ventricular cardiomyopathy. Last evaluated: 2024-06-08. Review status: criteria provided, single submitter. Criteria: ACMG Guidelines, 2015. Collection method: clinical testing. Allele origin: germline. Inheritance: Autosomal dominant inheritance. Observed: 2 variant alleles, 2 heterozygotes.
Comment: This missense variant replaces arginine with tryptophan at codon 46 in the propeptide sequence domain of the DSG2 protein. Computational prediction is inconclusive regarding the impact of this variant on protein structure and function (internally defined REVEL score threshold 0.5 < inconclusive < 0.7, PMID: 27666373). A functional study has shown that this variant prevents N-terminal propeptide cleavage that is required for normal protein maturation, and causes the mutant protein to mislocalize within intracytoplasmic vesicles instead of getting incorporated into the intercellular desmosomal junctions in cellular stress conditions (PMID: 31845994). This variant has been reported in at least eight unrelated individuals affected with arrhythmogenic right ventricular cardiomyopathy/dysplasia (PMID: 20400443, 23671136, 24585727, 25820315, 27532257, 28288337, 28588093, 29178656, 29606362, 29750433, 30790397, ClinVar SCV001235186.3). A different missense variant occurring at the same codon, p.Arg46Gln, is known to be pathogenic (ClinVar variation ID 16812), indicating that arginine at this position is important for DSG2 protein function. This variant has been identified in 1/249480 chromosomes in the general population by the Genome Aggregation Database (gnomAD). Based on the available evidence, this variant is classified as Likely Pathogenic.

This study involves interpretation of variants in research participants for the purpose of population health screening. Participant phenotype was not available at the time of variant classification. Additional details can be found in publication PMID: 35346344, PMCID: PMC8962531

Blueprint Genetics
Classification: Pathogenic for DSG2-related disorders. Last evaluated: 2024-04-16. Review status: criteria provided, single submitter. Criteria: ACMG Guidelines, 2015. Collection method: clinical testing. Allele origin: germline. Affected: yes. Observed: 2 variant alleles.

Color Diagnostics, LLC DBA Color Health
Classification: Likely pathogenic for Cardiomyopathy. Last evaluated: 2024-02-06. Review status: criteria provided, single submitter. Criteria: ACMG Guidelines, 2015. Collection method: clinical testing. Allele origin: germline.
Comment: This missense variant replaces arginine with tryptophan at codon 46 in the propeptide sequence domain of the DSG2 protein. Computational prediction is inconclusive regarding the impact of this variant on protein structure and function (internally defined REVEL score threshold 0.5 < inconclusive < 0.7, PMID: 27666373). A functional study has shown that this variant prevents N-terminal propeptide cleavage that is required for normal protein maturation, and causes the mutant protein to mislocalize within intracytoplasmic vesicles instead of getting incorporated into the intercellular desmosomal junctions in cellular stress conditions (PMID: 31845994). This variant has been reported in at least eight unrelated individuals affected with arrhythmogenic right ventricular cardiomyopathy/dysplasia (PMID: 20400443, 23671136, 24585727, 25820315, 27532257, 28288337, 28588093, 29178656, 29606362, 29750433, 30790397, ClinVar SCV001235186.3). A different missense variant occurring at the same codon, p.Arg46Gln, is known to be pathogenic (ClinVar variation ID 16812), indicating that arginine at this position is important for DSG2 protein function. This variant has been identified in 1/249480 chromosomes in the general population by the Genome Aggregation Database (gnomAD). Based on the available evidence, this variant is classified as Likely Pathogenic.

Literature cited by the submitters: PubMed 20400443 (cited by 4 submitters); PubMed 24585727 (cited by 4 submitters); PubMed 27532257 (cited by 4 submitters); PubMed 29178656 (cited by 4 submitters); PubMed 30790397 (cited by 4 submitters); PubMed 31386562 (cited by Labcorp Genetics (formerly Invitae), Labcorp and Ambry Genetics); PubMed 23071725 (cited by Labcorp Genetics (formerly Invitae), Labcorp); PubMed 24086444 (cited by Ambry Genetics); PubMed 28288337 (cited by 3 submitters); PubMed 29606362 (cited by 3 submitters); PubMed 29750433 (cited by 3 submitters); PubMed 31845994 (cited by 3 submitters); PubMed 23671136 (cited by All of Us Research Program, National Institutes of Health and Color Diagnostics, LLC DBA Color Health); PubMed 25820315 (cited by All of Us Research Program, National Institutes of Health and Color Diagnostics, LLC DBA Color Health); PubMed 28588093 (cited by All of Us Research Program, National Institutes of Health and Color Diagnostics, LLC DBA Color Health).

NM_001943.5(DSG2):c.136C>T (p.Arg46Trp)

Gene: DSG2 (desmoglein 2; plus strand). Cytogenetic location: 18q12.1.
Variant type: single nucleotide variant.
Coding change: c.136C>T on transcript NM_001943.5 (MANE Select); coding-DNA position 136, C replaced by T.
Protein change: p.Arg46Trp; replaces arginine 46 with tryptophan.
Molecular consequence: missense variant.
Genome position (GRCh38, 1-based): chr18:31,519,857, C>T. VCF-style: chr18-31519857-C-T. GRCh37 (hg19) VCF-style: chr18-29099820-C-T.
Other names: short protein forms R46W.
Identifiers: ClinVar variation 863095 (VCV000863095.13), dbSNP rs752522753, ClinGen allele CA042208.